The following is an entry in ClinVar:

NM_001267550.2(TTN):c.6238del (p.Ile2080fs)

Gene: TTN (titin; minus strand). Cytogenetic location: 2q31.2.
Variant type: Deletion.
Coding change: c.6238del on transcript NM_001267550.2 (MANE Select); coding-DNA position 6238, one base deleted (A; older notation c.6238delA).
Protein change: p.Ile2080fs; shifts the reading frame from isoleucine 2080.
Molecular consequence: frameshift variant.
Genome position (GRCh38, 1-based): chr2:178,775,626, T deleted on the plus strand (A on the coding strand, the reverse complement: TTN is on the minus strand); the first of 5 consecutive T bases (chr2:178,775,626-178,775,630); deleting any one gives the same sequence. VCF-style (leftmost placement, unchanged base first): chr2-178775625-AT-A. GRCh37 (hg19) VCF-style: chr2-179640352-AT-A.
Other names: c.6238del, p.Ile2080fs (NM_001256850.1, NM_133378.4, NM_133379.5); c.6100del, p.Ile2034fs (NM_003319.4, NM_133432.3, NM_133437.4); short protein forms I2034fs, I2080fs.
Identifiers: ClinVar variation 4786712 (VCV004786712.1).

ClinVar aggregate classification (germline): Likely pathogenic (1 of 4 stars; one submission).

Conditions:
Autosomal recessive limb-girdle muscular dystrophy type 2J (LGMDR10). Also called: Limb-girdle muscular dystrophy, type 2J; MUSCULAR DYSTROPHY, LIMB-GIRDLE, AUTOSOMAL RECESSIVE 10. Identifiers: Orphanet 140922, MedGen C1837342, MONDO:0012127, OMIM 608807.
Dilated cardiomyopathy 1G (CMD1G). Identifiers: Orphanet 154, MedGen C1858763, MONDO:0011400, OMIM 604145.

Submission:

Labcorp Genetics (formerly Invitae), Labcorp
Classification: Likely pathogenic for Dilated cardiomyopathy 1G; Autosomal recessive limb-girdle muscular dystrophy type 2J. Last evaluated: 2025-11-18. Review status: criteria provided, single submitter. Criteria: Invitae Variant Classification Sherloc (09022015). Collection method: clinical testing. Allele origin: germline.
Comment: This sequence change creates a premature translational stop signal (p.Ile2080Serfs*59) in the TTN gene. While this is not anticipated to result in nonsense mediated decay, it is expected to create a truncated TTN protein. This variant is not present in population databases (gnomAD no frequency). This variant has not been observed in the literature in individuals with autosomal recessive TTN-related conditions. This variant has been reported in individual(s) with autosomal dominant dilated cardiomyopathy (internal data); however, the role of the variant in this condition is currently unclear. This variant is located in the Z band of TTN (PMID: 25589632). Truncating variants in this region have been reported in individuals affected with autosomal recessive centronuclear myopathy (PMID: 33449170, internal data). Truncating variants in this region have also been identified in individuals affected with autosomal dominant dilated cardiomyopathy and/or cardio-related conditions (PMID: 27869827, 32964742, internal data). In summary, the currently available evidence indicates that the variant is pathogenic, but additional data are needed to prove that conclusively. Therefore, this variant has been classified as Likely Pathogenic.

Literature cited by the submitters: PubMed 25589632; PubMed 33449170; PubMed 27869827; PubMed 32964742.